The following is an entry in ClinVar:

ClinVar aggregate classification (germline): Benign (1 of 4 stars; one submission).

Allele frequency attached by ClinVar (database versions not stated): ESP Exome Variant Server 0.00269; gnomAD 0.02171; TOPMed 0.03096; ExAC 0.03806; 1000 Genomes Project 30x 0.07886; 1000 Genomes Project 0.08207.
gnomAD v4.1: 23,230 of 1,530,138 alleles (1.5%); highest among the groups gnomAD compares: East Asian, 28%; 2,426 homozygotes.

Submission:

Unidad de Genómica Garrahan, Hospital de Pediatría Garrahan
Classification: Benign. Last evaluated: 2023-11-12. Review status: criteria provided, single submitter. Criteria: ACMG Guidelines, 2015. Collection method: clinical testing. Allele origin: germline. Affected: no. Observed: 20 variant alleles.
Comment: This variant is classified as Benign based on local population frequency. This variant was detected in 21% of patients studied by a panel of primary immunodeficiencies. Number of patients: 20. Only high quality variants are reported.

NM_032977.4(CASP10):c.813+22C>T

Gene: CASP10 (caspase 10; plus strand). Cytogenetic location: 2q33.1.
Variant type: single nucleotide variant.
Coding change: c.813+22C>T on transcript NM_032977.4 (MANE Select); 22 bases into the intron after coding-DNA position 813, C replaced by T.
Molecular consequence: intron variant.
Genome position (GRCh38, 1-based): chr2:201,205,995, C>T. VCF-style: chr2-201205995-C-T. GRCh37 (hg19) VCF-style: chr2-202070718-C-T.
Other names: c.813+22C>T (NM_032974.5); c.685-2080C>T (NM_001206542.2, NM_001230.5); c.722-2080C>T (NM_032976.4); c.721+2229C>T (NM_001206524.2).
Identifiers: ClinVar variation 2628300 (VCV002628300.2), dbSNP rs12471740, ClinGen allele CA2053054.
Genomic context (GRCh38, chr2:201,205,995, plus strand): 5'-GCATCTGCTAACACTCTAAACTCTGAAACCAGCACAAAGGTCTGGATGGTTTCTTTTATT[C>T]CTTTTTTAATAAAAAAATTTTTTTTCCAAATTTAATCAAAAGGACGGTTTCTTTAGGGGC-3'